The following is an entry in ClinVar:

NM_003906.5(MCM3AP):c.2902G>A (p.Gly968Arg)

Gene: MCM3AP (minichromosome maintenance complex component 3 associated protein; minus strand). Cytogenetic location: 21q22.3.
Variant type: single nucleotide variant.
Coding change: c.2902G>A on transcript NM_003906.5 (MANE Select); coding-DNA position 2902, G replaced by A.
Protein change: p.Gly968Arg; replaces glycine 968 with arginine.
Molecular consequence: missense variant.
Genome position (GRCh38, 1-based): chr21:46,266,054, C>T on the plus strand (G>A on the coding strand, the complement: MCM3AP is on the minus strand). VCF-style: chr21-46266054-C-T. GRCh37 (hg19) VCF-style: chr21-47685968-C-T.
Other names: p.Gly968Arg; c.2902G>A (NM_003906.3); short protein forms G968R.
Identifiers: ClinVar variation 1475656 (VCV001475656.7), dbSNP rs147515617, ClinGen allele CA10076695.
Genomic context (GRCh38, chr21:46,266,054, plus strand): 5'-TGTTCTGGGAGTTGAAGCTGCACACAGGGGTATGACGAGGGACGGGGGGCAATGGCCCTC[C>T]GTTCACAATTTCCCCGACTGACACCGTCAGCTTCCTAGTAATAAACACCGACTTCCTGGT-3'
Protein context (NP_003897.2, residues 958-978): LTVSVGEIVN[Gly968Arg]GPLPPVPRHT

ClinVar aggregate classification (germline): Uncertain significance. Review status: criteria provided, multiple submitters, no conflicts (2 of 4 stars). 4 submissions from 4 submitters: Uncertain significance (3). 1 of the submissions does not count toward it. Last evaluated 2025-05-08.

Conditions:
Peripheral neuropathy. Also called: Neuropathy. Identifiers: MedGen C0031117, MONDO:0005244, HP:0009830.
Inborn genetic diseases. Identifiers: MedGen C0950123, MeSH D030342.

Allele frequency attached by ClinVar (database versions not stated): gnomAD exomes 0.00008; gnomAD 0.00006; ESP Exome Variant Server 0.00023; TOPMed 0.00005; ExAC 0.00008.
gnomAD v4.1: 126 of 1,612,222 alleles (0.0078%); highest among the groups gnomAD compares: Middle Eastern, 0.017%; no homozygotes.

Submissions (4):

Mayo Clinic Laboratories, Mayo Clinic
Classification: Uncertain significance. Last evaluated: 2025-05-08. Review status: criteria provided, single submitter. Criteria: ACMG Guidelines, 2015. Collection method: clinical testing. Allele origin: germline. Observed: 1 variant allele.
Comment: PM2_supporting

Ambry Genetics
Classification: Uncertain significance for Inborn genetic diseases. Last evaluated: 2023-01-26. Review status: criteria provided, single submitter. Criteria: Ambry Variant Classification Scheme 2023. Collection method: clinical testing. Allele origin: germline.

Labcorp Genetics (formerly Invitae), Labcorp
Classification: Uncertain significance. Last evaluated: 2022-08-12. Review status: criteria provided, single submitter. Criteria: Invitae Variant Classification Sherloc (09022015). Collection method: clinical testing. Allele origin: germline.
Comment: This sequence change replaces glycine, which is neutral and non-polar, with arginine, which is basic and polar, at codon 968 of the MCM3AP protein (p.Gly968Arg). This variant is present in population databases (rs147515617, gnomAD 0.02%). This variant has not been reported in the literature in individuals affected with MCM3AP-related conditions. ClinVar contains an entry for this variant (Variation ID: 1475656). Algorithms developed to predict the effect of missense changes on protein structure and function (SIFT, PolyPhen-2, Align-GVGD) all suggest that this variant is likely to be disruptive. In summary, the available evidence is currently insufficient to determine the role of this variant in disease. Therefore, it has been classified as a Variant of Uncertain Significance.

Institute of Human Genetics, University of Wuerzburg
Classification: Uncertain significance for Peripheral neuropathy. Review status: no assertion criteria provided. Collection method: clinical testing. Allele origin: unknown. Affected: yes. Observed: 1 variant allele. Not counted in ClinVar's aggregate classification.